The following is an entry in ClinVar:

ClinVar aggregate classification (germline): Likely pathogenic (1 of 4 stars; one submission).

Conditions:
Familial focal epilepsy with variable foci (FPEVF). Identifiers: Orphanet 98820, MedGen C1858477, MONDO:0020310.

Submission:

Labcorp Genetics (formerly Invitae), Labcorp
Classification: Likely pathogenic for Familial focal epilepsy with variable foci. Last evaluated: 2019-06-28. Review status: criteria provided, single submitter. Criteria: Invitae Variant Classification Sherloc (09022015). Collection method: clinical testing. Allele origin: germline.
Comment: This variant is a deletion of the genomic region encompassing part of exon 23 and all of exon 24 (c.1981_2104+678del) of the DEPDC5 gene. It is expected to disrupt RNA splicing and likely results in an absent or disrupted protein product. This variant has not been reported in the literature in individuals with DEPDC5-related disease. While this particular variant has not been reported in the literature, truncating variants in DEPDC5 are known to be pathogenic (PMID: 26505888). In summary, the currently available evidence indicates that the variant is pathogenic, but additional data are needed to prove that conclusively. Therefore, this variant has been classified as Likely Pathogenic.

Literature cited by the submitters: PubMed 26505888.

NM_001242896.3(DEPDC5):c.1981_2104+678del

Gene: DEPDC5 (DEP domain containing 5, GATOR1 subcomplex subunit; plus strand). Cytogenetic location: 22q12.3.
Variant type: Deletion.
Coding change: c.1981_2104+678del on transcript NM_001242896.3 (MANE Select); coding-DNA position 1981 through 678 bases into the intron after coding-DNA position 2104, 1,857 bases deleted.
Molecular consequence: splice acceptor variant, splice donor variant. On other transcripts: intron variant (3).
Genome position (GRCh38, 1-based): chr22:31,821,612-31,823,468, 1,857 bases deleted. GRCh37 (hg19): chr22:32,217,598-32,219,454.
Other names: c.1981_2104+678del (NM_001364318.2, NM_001136029.4, NM_014662.6 and 3 more transcripts); c.1870+2387_1870+4243del (NM_001363854.2, NM_001242897.2, NM_001364319.2); c.1897_2020+678del (NM_001369902.1, NM_001369901.1).
Identifiers: ClinVar variation 647448 (VCV000647448.2), ClinGen allele CA915952753.